The following is an entry in ClinVar:

ClinVar aggregate classification (germline): Uncertain significance (1 of 4 stars; one submission).

Conditions:
Inborn genetic diseases. Identifiers: MedGen C0950123, MeSH D030342.

gnomAD v4.1: 90 of 1,550,584 alleles (0.0058%); highest among the groups gnomAD compares: African/African-American, 0.0068%; no homozygotes.

Submission:

Ambry Genetics
Classification: Uncertain significance for Inborn genetic diseases. Last evaluated: 2026-07-27. Review status: criteria provided, single submitter. Criteria: Ambry Variant Classification Scheme 2023. Collection method: clinical testing. Allele origin: germline.
Comment: The c.641C>T (p.S214L) alteration is located in exon 6 (coding exon 5) of the MYH10 gene. This alteration results from a C to T substitution at nucleotide position 641, causing the serine (S) at amino acid position 214 to be replaced by a leucine (L). Based on data from gnomAD, the T allele has an overall frequency of 0.002% (3/182122) total alleles studied. The highest observed frequency was 0.004% (3/71484) of European (non-Finnish) alleles. Based on insufficient or conflicting evidence, the clinical significance of this alteration remains unclear.

NM_001256012.3(MYH10):c.641C>T (p.Ser214Leu)

Gene: MYH10 (myosin heavy chain 10; minus strand). Cytogenetic location: 17p13.1.
Variant type: single nucleotide variant.
Coding change: c.641C>T on transcript NM_001256012.3 (MANE Select); coding-DNA position 641, C replaced by T.
Protein change: p.Ser214Leu; replaces serine 214 with leucine.
Molecular consequence: missense variant. On other transcripts: intron variant (1).
Genome position (GRCh38, 1-based): chr17:8,576,665, G>A on the plus strand (C>T on the coding strand, the complement: MYH10 is on the minus strand). VCF-style: chr17-8576665-G-A. GRCh37 (hg19) VCF-style: chr17-8479983-G-A.
Other names: c.638C>T, p.Ser213Leu (NM_001256095.2); c.641C>T, p.Ser214Leu (NM_001375266.1); c.633+571C>T (NM_005964.5); short protein forms S214L, S213L.
Identifiers: ClinVar variation 5025048 (VCV005025048.1).